The following is an entry in ClinVar:

ClinVar aggregate classification (germline): Uncertain significance (1 of 4 stars; one submission).

Submission:

CeGaT Center for Human Genetics Tuebingen
Classification: Uncertain significance. Last evaluated: 2022-10-01. Review status: criteria provided, single submitter. Criteria: CeGaT Center For Human Genetics Tuebingen Variant Classification Criteria Version 2. Collection method: clinical testing. Allele origin: germline. Affected: yes. Observed: 1 variant allele.
Comment: SPEN: PM2

NM_015001.3(SPEN):c.9735_9736insCCCCCCCCCCCCCCCCCCCCCCAC (p.Pro3245_Thr3246insProProProProProProProHis)

Gene: SPEN (spen family transcriptional repressor; plus strand). Cytogenetic location: 1p36.13.
Variant type: Microsatellite.
Coding change: c.9735_9736insCCCCCCCCCCCCCCCCCCCCCCAC on transcript NM_015001.3 (MANE Select); coding-DNA positions 9735 to 9736, CCCCCCCCCCCCCCCCCCCCCCAC inserted.
Protein change: p.Pro3245_Thr3246insProProProProProProProHis.
Molecular consequence: inframe insertion.
Genome position: GRCh38 VCF-style: chr1-15935974-C-CCCCCCCCCCCCCCCCCCCCCCCCA. GRCh37 (hg19) VCF-style: chr1-16262469-C-CCCCCCCCCCCCCCCCCCCCCCCCA.
Identifiers: ClinVar variation 2638346 (VCV002638346.24), dbSNP rs2523096453.
Genomic context (GRCh38, chr1:15,935,974, plus strand): 5'-CCCCTCAGCAGCCAGGGAAGGAAGCTGCCAAGACACCAGATGCCAAAGCTGCCCCCACCC[C>CCCCCCCCCCCCCCCCCCCCCCCCA]CACCCCTGCCCCCGTCCCTGTCCCTGTCCCCCTTCCTGCCCCTGCTCCTGCCCCTCATGG-3'